The following is an entry in ClinVar:

ClinVar aggregate classification (germline): Uncertain significance (1 of 4 stars; one submission).

Allele frequency attached by ClinVar (database versions not stated): gnomAD 0.00001.
gnomAD v4.1: 1 of 1,613,962 alleles (0.000062%); highest among the groups gnomAD compares: African/African-American, 0.0013%; no homozygotes.

Submission:

GeneDx
Classification: Uncertain significance. Last evaluated: 2021-04-13. Review status: criteria provided, single submitter. Criteria: GeneDx Variant Classification Process June 2021. Collection method: clinical testing. Allele origin: germline. Affected: yes.
Comment: Not observed in large population cohorts (Lek et al., 2016); In silico analysis supports that this missense variant has a deleterious effect on protein structure/function; Has not been previously published as pathogenic or benign to our knowledge

NM_001303256.3(MORC2):c.1231G>T (p.Val411Phe)

Gene: MORC2 (MORC family CW-type zinc finger 2; minus strand). Cytogenetic location: 22q12.2.
Variant type: single nucleotide variant.
Coding change: c.1231G>T on transcript NM_001303256.3 (MANE Select); coding-DNA position 1231, G replaced by T.
Protein change: p.Val411Phe; replaces valine 411 with phenylalanine.
Molecular consequence: missense variant.
Genome position (GRCh38, 1-based): chr22:30,937,953, C>A on the plus strand (G>T on the coding strand, the complement: MORC2 is on the minus strand). VCF-style: chr22-30937953-C-A. GRCh37 (hg19) VCF-style: chr22-31333940-C-A.
Other names: c.1231G>T, p.Val411Phe (NM_001303257.2); c.1045G>T, p.Val349Phe (NM_014941.3); short protein forms V349F, V411F.
Identifiers: ClinVar variation 1320748 (VCV001320748.2), dbSNP rs2040680732, ClinGen allele CA411239086.
Genomic context (GRCh38, chr22:30,937,953, plus strand): 5'-CAAAGTCCTGTTTGTTGTGTGTAGGCTCCAGGACCAGGTAGGGCACATCAACAACCCCAA[C>A]AACCCCGCCACATGCCCTACAGGGAGAAAGAGAACAAGCTCTGTCACCCCACTGGCAACG-3'
Protein context (NP_001290185.1, residues 401-421): LEGGMACGGV[Val411Phe]GVVDVPYLVL